The following is an entry in ClinVar:

NM_000393.5(COL5A2):c.2648C>A (p.Ser883Tyr)

Gene: COL5A2 (collagen type V alpha 2 chain; minus strand). Cytogenetic location: 2q32.2.
Variant type: single nucleotide variant.
Coding change: c.2648C>A on transcript NM_000393.5 (MANE Select); coding-DNA position 2648, C replaced by A.
Protein change: p.Ser883Tyr; replaces serine 883 with tyrosine.
Molecular consequence: missense variant.
Genome position (GRCh38, 1-based): chr2:189,052,924, G>T on the plus strand (C>A on the coding strand, the complement: COL5A2 is on the minus strand). VCF-style: chr2-189052924-G-T. GRCh37 (hg19) VCF-style: chr2-189917650-G-T.
Other names: p.S883Y:TCC>TAC; p.Ser883Tyr; short protein forms S883Y.
Identifiers: ClinVar variation 213109 (VCV000213109.22), dbSNP rs773515722, ClinGen allele CA323893.

ClinVar aggregate classification (germline): Conflicting classifications of pathogenicity. Review status: criteria provided, conflicting classifications (1 of 4 stars). 5 submissions from 5 submitters: Uncertain significance (3); Likely benign (2). Last evaluated 2026-02-04.

Conditions:
Ehlers-Danlos syndrome, classic type, 1 (EDSCL1). Also called: Ehlers-Danlos Syndrome, Classic Type, COL5A1-Related; EHLERS-DANLOS SYNDROME, GRAVIS TYPE; EHLERS-DANLOS SYNDROME, SEVERE CLASSIC TYPE; Ehlers-Danlos syndrome, type 1; EDS I. Identifiers: MedGen C0268335, MONDO:0019567, OMIM 130000.
Ehlers-Danlos syndrome, classic type, 2 (EDSCL2). Also called: Ehlers-Danlos Syndrome, Classic Type, COL5A2-Related; Ehlers-Danlos syndrome type 2 (formerly); Ehlers-Danlos syndrome, type 2. Identifiers: Orphanet 287, Orphanet 90318, MedGen C0268336, MONDO:0019568, OMIM 130010.
Familial thoracic aortic aneurysm and aortic dissection (TAAD). Also called: Thoracic aortic aneurysms and dissections. Identifiers: Orphanet 91387, MedGen C4707243, MONDO:0019625.

Allele frequency attached by ClinVar (database versions not stated): gnomAD 0.00001; gnomAD exomes 0.00002; TOPMed 0.00002.
gnomAD v4.1: 70 of 1,613,918 alleles (0.0043%); highest among the groups gnomAD compares: Non-Finnish European, 0.0058%; no homozygotes.

Submissions (5):

Labcorp Genetics (formerly Invitae), Labcorp
Classification: Likely benign for Ehlers-Danlos syndrome, classic type, 1. Last evaluated: 2026-02-04. Review status: criteria provided, single submitter. Criteria: Invitae Variant Classification Sherloc (09022015). Collection method: clinical testing. Allele origin: germline.

Ambry Genetics
Classification: Uncertain significance for Familial thoracic aortic aneurysm and aortic dissection. Last evaluated: 2025-07-03. Review status: criteria provided, single submitter. Criteria: Ambry Variant Classification Scheme 2023. Collection method: clinical testing. Allele origin: germline.
Comment: The p.S883Y variant (also known as c.2648C>A), located in coding exon 39 of the COL5A2 gene, results from a C to A substitution at nucleotide position 2648. The serine at codon 883 is replaced by tyrosine, an amino acid with dissimilar properties. This amino acid position is well conserved in available vertebrate species. In addition, the in silico prediction for this alteration is inconclusive. Based on the available evidence, the clinical significance of this variant remains unclear.

Mayo Clinic Laboratories, Mayo Clinic
Classification: Likely benign. Last evaluated: 2025-04-28. Review status: criteria provided, single submitter. Criteria: ACMG Guidelines, 2015. Collection method: clinical testing. Allele origin: germline. Observed: 1 variant allele.
Comment: BS1

ARUP Laboratories, Molecular Genetics and Genomics, ARUP Laboratories
Classification: Uncertain significance for Ehlers-Danlos syndrome, classic type, 2. Last evaluated: 2020-11-10. Review status: criteria provided, single submitter. Criteria: ARUP Molecular Germline Variant Investigation Process 2021. Collection method: clinical testing. Allele origin: germline.
Comment: The COL5A2 c.2648C>A, p.Ser883Tyr variant (rs773515722), to our knowledge, has not been reported in the medical literature; however, this variant is listed in the ClinVar database (Variation ID: 213109). This variant is found in the general population with an overall allele frequency of 0.002% (4/251,278 alleles) in the Genome Aggregation Database. The serine at codon 883 is highly conserved, but computational analyses are uncertain whether this variant is neutral or deleterious (REVEL: 0.567). Based on the available information, the clinical significance of this variant is uncertain.

GeneDx
Classification: Uncertain significance. Last evaluated: 2018-11-06. Review status: criteria provided, single submitter. Criteria: GeneDx Variant Classification (06012015). Collection method: clinical testing. Allele origin: germline. Affected: yes.
Comment: TAAD is a genetically heterogeneous disorder characterized by aortic dilatation, aneurysms, dissections and/or aneurysms of other major arteries. p.Ser883Tyr (S883Y) TCC>TAC: c.2648 C>A in exon 39 of the COL5A2 gene (NM_000393.3)A variant of unknown significance has been identified in the COL5A2 gene. The S883Y variant has not been published as a mutation, nor has it been reported as a benign polymorphism to our knowledge. The S883Y variant was not observed in approximately 6500 individuals of European and African American ancestry in the NHLBI Exome Sequencing Project, indicating it is not a common benign variant in these populations. The S883Y variant is a semi-conservative amino acid substitution, which may impact secondary protein structure as these residues differ in some properties. This substitution occurs at a position that is conserved in mammals. In silico analysis predicts this variant is probably damaging to the protein structure/function. However, no missense mutations in nearby residues have been reported in association with a COL5A2-related disorder, suggesting this region of the protein may be tolerant of change. Also, the S883Y variant does not affect a Glycine residue in a Gly-X-Y motif in the triple helical region of the COL5A2 gene, where the majority of missense mutations occur (Symoens et al., 2012).Therefore, based on the currently available information, it is unclear whether this variant is a pathogenic mutation or a rare benign variant. This variant was found in TAADV2-PANCARD.